The following is an entry in ClinVar:

ClinVar aggregate classification (germline): Likely pathogenic (1 of 4 stars; one submission).

Allele frequency attached by ClinVar (database versions not stated): gnomAD exomes below 0.00001; TOPMed below 0.00001; gnomAD 0.00001.
gnomAD v4.1: 3 of 1,613,436 alleles (0.00019%); highest among the groups gnomAD compares: African/African-American, 0.0027%; no homozygotes.

Submission:

Labcorp Genetics (formerly Invitae), Labcorp
Classification: Likely pathogenic. Last evaluated: 2023-10-15. Review status: criteria provided, single submitter. Criteria: Invitae Variant Classification Sherloc (09022015). Collection method: clinical testing. Allele origin: germline.
Comment: This sequence change affects a donor splice site in intron 12 of the TPO gene. It is expected to disrupt RNA splicing. Variants that disrupt the donor or acceptor splice site typically lead to a loss of protein function (PMID: 16199547), and loss-of-function variants in TPO are known to be pathogenic (PMID: 11061528, 23236987, 25564141). This variant is not present in population databases (gnomAD no frequency). This variant has not been reported in the literature in individuals affected with TPO-related conditions. Algorithms developed to predict the effect of sequence changes on RNA splicing suggest that this variant may disrupt the consensus splice site. In summary, the currently available evidence indicates that the variant is pathogenic, but additional data are needed to prove that conclusively. Therefore, this variant has been classified as Likely Pathogenic.

Literature cited by the submitters: PubMed 16199547; PubMed 11061528; PubMed 23236987; PubMed 25564141.

NM_001206744.2(TPO):c.2215+1G>A

Genes: LALTOP (lung cancer associated lncRNA targeting TOP2A; minus strand), TPO (thyroid peroxidase; plus strand). Cytogenetic location: 2p25.3.
Variant type: single nucleotide variant.
Coding change: c.2215+1G>A on transcript NM_001206744.2 (MANE Select); the canonical splice donor site of the intron after coding-DNA position 2215, G replaced by A.
Molecular consequence: splice donor variant.
Genome position (GRCh38, 1-based): chr2:1,496,198, G>A. VCF-style: chr2-1496198-G-A. GRCh37 (hg19) VCF-style: chr2-1499970-G-A.
Other names: c.2044+1G>A (NM_001206745.2, NM_175719.4); c.2215+1G>A (NM_175721.3, NM_000547.6); c.1696+1G>A (NM_175722.3).
Identifiers: ClinVar variation 2768638 (VCV002768638.3), dbSNP rs1672315172, ClinGen allele CA345698296.